The following is an entry in ClinVar:

NM_001127511.3(APC):c.-67T>C

Gene: APC (APC regulator of Wnt signaling pathway; plus strand). Cytogenetic location: 5q22.2.
Variant type: single nucleotide variant.
Coding change: c.-67T>C on transcript NM_001127511.3; 67 bases upstream of the start codon, T replaced by C.
Molecular consequence: 5 prime UTR variant. On other transcripts: non-coding transcript variant (1), splice donor variant (5).
Genome position (GRCh38, 1-based): chr5:112,707,651, T>C. VCF-style: chr5-112707651-T-C. GRCh37 (hg19) VCF-style: chr5-112043348-T-C.
Other names: c.-250T>C (NM_001354895.2, NM_001407447.1, NM_001407452.1 and 3 more transcripts); c.-67T>C (NM_001354897.2, NM_001354902.2, NM_001407446.1); c.-1285T>C (NM_001407470.1, NM_001407472.1); c.-19+2T>C (NM_001407448.1, NM_001407450.1, NM_001407457.1 and 1 more transcripts); c.-43+2T>C (NM_001407453.1).
Identifiers: ClinVar variation 3719821 (VCV003719821.2).

ClinVar aggregate classification (germline): Uncertain significance (1 of 4 stars; one submission).

Conditions:
Familial adenomatous polyposis 1 (FAP1). Also called: FAMILIAL ADENOMATOUS POLYPOSIS 1, ATTENUATED; POLYPOSIS, ADENOMATOUS INTESTINAL. Identifiers: MedGen C2713442, MONDO:0021056, OMIM 175100. Disease mechanism: loss of function.

Submission:

Labcorp Genetics (formerly Invitae), Labcorp
Classification: Uncertain significance for Familial adenomatous polyposis 1. Last evaluated: 2024-09-19. Review status: criteria provided, single submitter. Criteria: Invitae Variant Classification Sherloc (09022015). Collection method: clinical testing. Allele origin: germline.
Comment: This variant occurs in a non-coding region of the APC gene. It does not change the encoded amino acid sequence of the APC protein. This variant is not present in population databases (gnomAD no frequency). This variant has not been reported in the literature in individuals affected with APC-related conditions. Experimental studies and prediction algorithms are not available or were not evaluated, and the functional significance of this variant is currently unknown. In summary, the available evidence is currently insufficient to determine the role of this variant in disease. Therefore, it has been classified as a Variant of Uncertain Significance.